The following is an entry in ClinVar:

NM_001369.3(DNAH5):c.1144_1145insT (p.Ser382fs)

Gene: DNAH5 (dynein axonemal heavy chain 5; minus strand). Cytogenetic location: 5p15.2.
Variant type: Insertion.
Coding change: c.1144_1145insT on transcript NM_001369.3 (MANE Select); coding-DNA positions 1144 to 1145, T inserted.
Protein change: p.Ser382fs; shifts the reading frame from serine 382.
Molecular consequence: frameshift variant.
Genome position: GRCh38 VCF-style: chr5-13916400-C-CA. GRCh37 (hg19) VCF-style: chr5-13916509-C-CA.
Other names: short protein forms S382fs.
Identifiers: ClinVar variation 2130116 (VCV002130116.4), dbSNP rs1164515588, ClinGen allele CA804568141.

ClinVar aggregate classification (germline): Pathogenic (1 of 4 stars; one submission).

Conditions:
Primary ciliary dyskinesia. Also called: Ciliary dyskinesia. Identifiers: Orphanet 244, MedGen C0008780, MONDO:0016575, HP:0012265.

Submission:

Labcorp Genetics (formerly Invitae), Labcorp
Classification: Pathogenic for Primary ciliary dyskinesia. Last evaluated: 2022-05-09. Review status: criteria provided, single submitter. Criteria: Invitae Variant Classification Sherloc (09022015). Collection method: clinical testing. Allele origin: germline.
Comment: This sequence change creates a premature translational stop signal (p.Ser382Metfs*7) in the DNAH5 gene. It is expected to result in an absent or disrupted protein product. Loss-of-function variants in DNAH5 are known to be pathogenic (PMID: 11788826, 16627867). For these reasons, this variant has been classified as Pathogenic. This variant has not been reported in the literature in individuals affected with DNAH5-related conditions. This variant is not present in population databases (gnomAD no frequency).

Literature cited by the submitters: PubMed 11788826; PubMed 16627867.